The following is an entry in ClinVar:

ClinVar aggregate classification (germline): Uncertain significance. Review status: criteria provided, single submitter (1 of 4 stars). 2 submissions from 2 submitters: Uncertain significance (1). 1 of the submissions does not count toward it. Last evaluated 2022-06-10.

Conditions:
Cardiovascular phenotype. Identifiers: MedGen CN230736.
ALMS1-related disorder. Also called: ALMS1-related condition.

Submissions (2):

Ambry Genetics
Classification: Uncertain significance for Cardiovascular phenotype. Last evaluated: 2022-06-10. Review status: criteria provided, single submitter. Criteria: Ambry Variant Classification Scheme 2023. Collection method: clinical testing. Allele origin: germline.
Comment: The p.T1658K variant (also known as c.4973C>A), located in coding exon 8 of the ALMS1 gene, results from a C to A substitution at nucleotide position 4973. The threonine at codon 1658 is replaced by lysine, an amino acid with similar properties. This amino acid position is poorly conserved in available vertebrate species. In addition, this alteration is predicted to be tolerated by in silico analysis. Since supporting evidence is limited at this time, the clinical significance of this alteration remains unclear.

PreventionGenetics, part of Exact Sciences
Classification: Uncertain significance for ALMS1-related condition. Last evaluated: 2024-05-29. Review status: no assertion criteria provided. Collection method: clinical testing. Allele origin: germline. Not counted in ClinVar's aggregate classification.
Comment: The ALMS1 c.4973C>A variant is predicted to result in the amino acid substitution p.Pro1658Gln. To our knowledge, this variant has not been reported in the literature. This variant is reported in 0.087% of alleles in individuals of East Asian descent in gnomAD, which may be too common to be a primary cause of disease. Although we suspect that this variant may be benign, at this time, the clinical significance of this variant is uncertain due to the absence of conclusive functional and genetic evidence.

NM_001378454.1(ALMS1):c.4970C>A (p.Thr1657Lys)

Gene: ALMS1 (ALMS1 centrosome and basal body associated protein; plus strand). Cytogenetic location: 2p13.1.
Variant type: single nucleotide variant.
Coding change: c.4970C>A on transcript NM_001378454.1 (MANE Select); coding-DNA position 4970, C replaced by A.
Protein change: p.Thr1657Lys; replaces threonine 1657 with lysine.
Molecular consequence: missense variant.
Genome position (GRCh38, 1-based): chr2:73,451,497, C>A. VCF-style: chr2-73451497-C-A. GRCh37 (hg19) VCF-style: chr2-73678624-C-A.
Other names: c.4973C>A, p.Thr1658Lys (NM_015120.4); short protein forms T1657K, T1658K.
Identifiers: ClinVar variation 1744478 (VCV001744478.3), dbSNP rs1572936033, ClinGen allele CA347279641.